The following is an entry in ClinVar:

ClinVar aggregate classification (germline): Uncertain significance (1 of 4 stars; one submission).

Submission:

GeneDx
Classification: Uncertain significance. Last evaluated: 2024-03-24. Review status: criteria provided, single submitter. Criteria: GeneDx Variant Classification Process June 2021. Collection method: clinical testing. Allele origin: germline. Affected: yes.
Comment: Not observed at significant frequency in large population cohorts (gnomAD); In silico analysis supports that this missense variant has a deleterious effect on protein structure/function; Has not been previously published as pathogenic or benign to our knowledge

NM_000719.7(CACNA1C):c.341G>A (p.Arg114Gln)

Gene: CACNA1C (calcium voltage-gated channel subunit alpha1 C; plus strand). Cytogenetic location: 12p13.33.
Variant type: single nucleotide variant.
Coding change: c.341G>A on transcript NM_000719.7 (MANE Select); coding-DNA position 341, G replaced by A.
Protein change: p.Arg114Gln; replaces arginine 114 with glutamine.
Molecular consequence: missense variant.
Genome position (GRCh38, 1-based): chr12:2,115,515, G>A. VCF-style: chr12-2115515-G-A. GRCh37 (hg19) VCF-style: chr12-2224681-G-A.
Other names: c.341G>A, p.Arg114Gln (NM_001129827.2, NM_001129829.2, NM_001129830.3 and 19 more transcripts); short protein forms R114Q.
Identifiers: ClinVar variation 3371481 (VCV003371481.1).
Genomic context (GRCh38, chr12:2,115,515, plus strand): 5'-GCACCACGGCCACACGCCCGCCCCGAGCCCTGCTCTGCCTGACCCTGAAGAACCCCATCC[G>A]GAGGGCCTGCATCAGCATTGTCGAATGGAAATATCCTTTGTTCACCGGGCTGGGCATGCT-3'
Protein context (NP_000710.5, residues 104-124): LLCLTLKNPI[Arg114Gln]RACISIVEWK